The following is an entry in ClinVar:

NM_001853.4(COL9A3):c.1759G>A (p.Gly587Arg)

Gene: COL9A3 (collagen type IX alpha 3 chain; plus strand). Cytogenetic location: 20q13.33.
Variant type: single nucleotide variant.
Coding change: c.1759G>A on transcript NM_001853.4 (MANE Select); coding-DNA position 1759, G replaced by A.
Protein change: p.Gly587Arg; replaces glycine 587 with arginine.
Molecular consequence: missense variant.
Genome position (GRCh38, 1-based): chr20:62,837,238, G>A. VCF-style: chr20-62837238-G-A. GRCh37 (hg19) VCF-style: chr20-61468590-G-A.
Other names: c.1759G>A (NM_001853.3); short protein forms G587R.
Identifiers: ClinVar variation 4760768 (VCV004760768.2).

ClinVar aggregate classification (germline): Uncertain significance. Review status: criteria provided, multiple submitters, no conflicts (2 of 4 stars). 2 submissions from 2 submitters: Uncertain significance (2). Last evaluated 2026-02-03.

Submissions (2):

GeneDx
Classification: Uncertain significance. Last evaluated: 2026-02-03. Review status: criteria provided, single submitter. Criteria: GeneDx Variant Classification Process June 2021. Collection method: clinical testing. Allele origin: germline.
Comment: Not observed at significant frequency in large population cohorts (gnomAD); In silico analysis supports that this missense variant has a deleterious effect on protein structure/function; Has not been previously published as pathogenic or benign to our knowledge

Labcorp Genetics (formerly Invitae), Labcorp
Classification: Uncertain significance. Last evaluated: 2025-04-02. Review status: criteria provided, single submitter. Criteria: Invitae Variant Classification Sherloc (09022015). Collection method: clinical testing. Allele origin: germline.
Comment: This sequence change replaces glycine, which is neutral and non-polar, with arginine, which is basic and polar, at codon 587 of the COL9A3 protein (p.Gly587Arg). This variant is not present in population databases (gnomAD no frequency). This variant has not been reported in the literature in individuals affected with COL9A3-related conditions. Invitae Evidence Modeling of protein sequence and biophysical properties (such as structural, functional, and spatial information, amino acid conservation, physicochemical variation, residue mobility, and thermodynamic stability) indicates that this missense variant is expected to disrupt COL9A3 protein function with a positive predictive value of 95%. In summary, the available evidence is currently insufficient to determine the role of this variant in disease. Therefore, it has been classified as a Variant of Uncertain Significance.